The following is an entry in ClinVar:

ClinVar aggregate classification (germline): Pathogenic/Likely pathogenic. Review status: criteria provided, multiple submitters, no conflicts (2 of 4 stars). 7 submissions from 7 submitters: Pathogenic (4); Likely pathogenic (3). Last evaluated 2026-01-25.

Conditions:
Wilson disease (WND). Also called: Wilson's disease. Identifiers: Orphanet 905, MedGen C0019202, MONDO:0010200, OMIM 277900. Disease mechanism: loss of function.

Allele frequency attached by ClinVar (database versions not stated): gnomAD 0.00001.
gnomAD v4.1: 1 of 1,614,108 alleles (0.000062%); highest among the groups gnomAD compares: East Asian, 0.0022%; no homozygotes.

Submissions (7):

Labcorp Genetics (formerly Invitae), Labcorp
Classification: Pathogenic for Wilson disease. Last evaluated: 2026-01-25. Review status: criteria provided, single submitter. Criteria: Invitae Variant Classification Sherloc (09022015). Collection method: clinical testing. Allele origin: germline.
Comment: This sequence change replaces aspartic acid, which is acidic and polar, with glycine, which is neutral and non-polar, at codon 765 of the ATP7B protein (p.Asp765Gly). This variant is not present in population databases (gnomAD no frequency). This missense change has been observed in individual(s) with Wilson disease (PMID: 23843956, 30384382). In at least one individual the data is consistent with being in trans (on the opposite chromosome) from a pathogenic variant. ClinVar contains an entry for this variant (Variation ID: 495406). Invitae Evidence Modeling of protein sequence and biophysical properties (such as structural, functional, and spatial information, amino acid conservation, physicochemical variation, residue mobility, and thermodynamic stability) indicates that this missense variant is expected to disrupt ATP7B protein function with a positive predictive value of 80%. This variant disrupts the p.Asp765 amino acid residue in ATP7B. Other variant(s) that disrupt this residue have been determined to be pathogenic (PMID: 9482578, 15024742, 20517649, 21682854). This suggests that this residue is clinically significant, and that variants that disrupt this residue are likely to be disease-causing. For these reasons, this variant has been classified as Pathogenic.

Natera, Inc.
Classification: Pathogenic for Wilson disease. Last evaluated: 2026-01-21. Review status: criteria provided, single submitter. Criteria: Natera Variant Classification Schema (03/2026). Collection method: clinical testing. Allele origin: germline.
Comment: The c.2294A>G variant in ATP7B is a missense variant predicted to cause substitution of aspartic acid to glycine at amino acid 765. This variant is rare in the general population with a frequency below the threshold expected for the associated phenotype(s). This variant has been observed in one or more individuals affected with the associated recessive disease, as either homozygous or compound heterozygous with a second variant (PMID: 35220961). Computational prediction algorithms indicate this variant is likely to affect gene or protein function. Given the available evidence, this variant is classified as Pathogenic.

Fulgent Genetics
Classification: Likely pathogenic for Wilson disease. Last evaluated: 2024-04-05. Review status: criteria provided, single submitter. Criteria: ACMG Guidelines, 2015. Collection method: clinical testing. Allele origin: germline.

Women's Health and Genetics/Laboratory Corporation of America, LabCorp
Classification: Pathogenic for Wilson disease. Last evaluated: 2024-04-03. Review status: criteria provided, single submitter. Criteria: LabCorp Variant Classification Summary - May 2015. Collection method: clinical testing. Allele origin: germline.
Comment: Variant summary: ATP7B c.2294A>G (p.Asp765Gly) results in a non-conservative amino acid change located in the P-type ATPase, subfamily IB domain (IPR027256) of the encoded protein sequence. Another missense change affecting this amino acid has been determined to be pathogenic. Five of five in-silico tools predict a damaging effect of the variant on protein function. The variant was absent in 251070 control chromosomes (gnomAD). c.2294A>G has been reported in the literature in multiple individuals affected with Wilson Disease (e.g. Wang_2011, Gu_2013, Zhang_2022). These data indicate that the variant is very likely to be associated with disease. The following publications have been ascertained in the context of this evaluation (PMID: 14986826, 21796144, 24253677, 23843956, 27022412, 35220961). ClinVar contains an entry for this variant (Variation ID: 495406). Based on the evidence outlined above, the variant was classified as pathogenic.

Baylor Genetics
Classification: Pathogenic for Wilson disease. Last evaluated: 2023-11-20. Review status: criteria provided, single submitter. Criteria: ACMG Guidelines, 2015. Collection method: clinical testing. Allele origin: unknown.

Genome-Nilou Lab
Classification: Likely pathogenic for Wilson disease. Last evaluated: 2021-08-10. Review status: criteria provided, single submitter. Criteria: ACMG Guidelines, 2015. Collection method: clinical testing. Allele origin: germline. Affected: no.

ARUP Laboratories, Molecular Genetics and Genomics, ARUP Laboratories
Classification: Likely pathogenic for Wilson disease. Last evaluated: 2018-08-27. Review status: criteria provided, single submitter. Criteria: ARUP Molecular Germline Variant Investigation Process. Collection method: clinical testing. Allele origin: germline.
Comment: The ATP7B c.2294A>G; p.Asp765Gly variant is reported in the literature in multiple individuals affected with Wilson disease and has been observed in trans to another pathogenic ATP7B variant in several affected individuals (Gu 2003, Gu 2013, Wang 2011). This variant is reported as pathogenic in ClinVar (Variation ID: 495406), and it is absent from general population databases (Exome Variant Server, Genome Aggregation Database), indicating it is not a common polymorphism. Another variant at this codon (p.Asp765Asn) has been reported in individuals with Wilson disease and is considered pathogenic (Figus 1995, Kalinsky 1998), consistent with functional assays that indicate aberrant localization and decreased transport activity (Forbes 2000, Huster 2012). The aspartate at codon 765 is highly conserved and both computational analyses (SIFT, PolyPhen-2) and structural modeling approaches predict that the p.Asp765Gly variant is deleterious (Schushan 2012, Squitti 2014). Based on available information, this variant is considered to be likely pathogenic. References: Figus A et al. Molecular pathology and haplotype analysis of Wilson disease in Mediterranean populations. Am J Hum Genet. 1995 Dec;57(6):1318-24. Forbes JR and Cox DW. Copper-dependent trafficking of Wilson disease mutant ATP7B proteins. Hum Mol Genet. 2000 Aug 12;9(13):1927-35. Gu S et al. Novel ATPase Cu(2+) transporting beta polypeptide mutations in Chinese families with Wilson's disease. PLoS One. 2013 Jul 2;8(7):e66526. Gu YH et al. Mutation spectrum and polymorphisms in ATP7B identified on direct sequencing of all exons in Chinese Han and Hui ethnic patients with Wilson's disease. Clin Genet. 2003 Dec;64(6):479-84. Huster D et al. Diverse functional properties of Wilson disease ATP7B variants. Gastroenterology. 2012 Apr;142(4):947-956.e5. Kalinsky H et al. Novel ATP7B mutations causing Wilson disease in several Israeli ethnic groups. Hum Mutat. 1998;11(2):145-51. Schushan M et al. A structural model of the copper ATPase ATP7B to facilitate analysis of Wilson disease-causing mutations and studies of the transport mechanism. Metallomics. 2012 Jul;4(7):669-78. Squitti R et al. In silico investigation of the ATP7B gene: insights from functional prediction of non-synonymous substitution to protein structure. Biometals. 2014 Feb;27(1):53-64. Wang LH et al. Mutation analysis of 73 southern Chinese Wilson's disease patients: identification of 10 novel mutations and its clinical correlation. J Hum Genet. 2011 Sep;56(9):660-5.

Literature cited by the submitters: PubMed 23843956 (cited by Labcorp Genetics (formerly Invitae), Labcorp and Women's Health and Genetics/Laboratory Corporation of America, LabCorp); PubMed 30384382 (cited by Labcorp Genetics (formerly Invitae), Labcorp); PubMed 9482578 (cited by Labcorp Genetics (formerly Invitae), Labcorp); PubMed 15024742 (cited by Labcorp Genetics (formerly Invitae), Labcorp); PubMed 20517649 (cited by Labcorp Genetics (formerly Invitae), Labcorp); PubMed 21682854 (cited by Labcorp Genetics (formerly Invitae), Labcorp); PubMed 35220961 (cited by Natera, Inc. and Women's Health and Genetics/Laboratory Corporation of America, LabCorp); PubMed 14986826 (cited by Women's Health and Genetics/Laboratory Corporation of America, LabCorp); PubMed 21796144 (cited by Women's Health and Genetics/Laboratory Corporation of America, LabCorp); PubMed 24253677 (cited by Women's Health and Genetics/Laboratory Corporation of America, LabCorp); PubMed 27022412 (cited by Women's Health and Genetics/Laboratory Corporation of America, LabCorp).

NM_000053.4(ATP7B):c.2294A>G (p.Asp765Gly)

Gene: ATP7B (ATPase copper transporting beta; minus strand). Cytogenetic location: 13q14.3.
Variant type: single nucleotide variant.
Coding change: c.2294A>G on transcript NM_000053.4 (MANE Select); coding-DNA position 2294, A replaced by G.
Protein change: p.Asp765Gly; replaces aspartic acid 765 with glycine.
Molecular consequence: missense variant. On other transcripts: intron variant (2).
Genome position (GRCh38, 1-based): chr13:51,958,372, T>C on the plus strand (A>G on the coding strand, the complement: ATP7B is on the minus strand). VCF-style: chr13-51958372-T-C. GRCh37 (hg19) VCF-style: chr13-52532508-T-C.
Other names: c.1961A>G, p.Asp654Gly (NM_001243182.2); c.2042A>G, p.Asp681Gly (NM_001330579.2); c.1870-765A>G (NM_001005918.3); c.2122-765A>G (NM_001330578.2); short protein forms D765G, D654G, D681G.
Identifiers: ClinVar variation 495406 (VCV000495406.23), dbSNP rs1555291147, ClinGen allele CA388021872.